The following is an entry in ClinVar:

NM_212559.3(XKRX):c.765C>G (p.Leu255=)

Gene: XKRX (XK related X-linked; minus strand). Cytogenetic location: Xq22.1.
Variant type: single nucleotide variant.
Coding change: c.765C>G on transcript NM_212559.3 (MANE Select); coding-DNA position 765, C replaced by G.
Protein change: p.Leu255=; no amino-acid change (leucine 255 retained).
Molecular consequence: synonymous variant.
Genome position (GRCh38, 1-based): chrX:100,914,923, G>C on the plus strand (C>G on the coding strand, the complement: XKRX is on the minus strand). VCF-style: chrX-100914923-G-C. GRCh37 (hg19) VCF-style: chrX-100169912-G-C.
Identifiers: ClinVar variation 2661047 (VCV002661047.24), dbSNP rs191638598, ClinGen allele CA10470878.

ClinVar aggregate classification (germline): Likely benign (1 of 4 stars; one submission).

Allele frequency attached by ClinVar (database versions not stated): TOPMed 0.00003; gnomAD 0.00004; ESP Exome Variant Server 0.00009; ExAC 0.00017; 1000 Genomes Project 30x 0.00021; 1000 Genomes Project 0.00026.
gnomAD v4.1: 80 of 1,209,990 alleles (0.0066%); highest among the groups gnomAD compares: East Asian, 0.21%; no homozygotes.

Submission:

CeGaT Center for Human Genetics Tuebingen
Classification: Likely benign. Last evaluated: 2022-12-01. Review status: criteria provided, single submitter. Criteria: CeGaT Center For Human Genetics Tuebingen Variant Classification Criteria Version 2. Collection method: clinical testing. Allele origin: germline. Affected: yes. Observed: 1 variant allele.
Comment: XKRX: BP4, BP7, BS2